The following is an entry in ClinVar:

ClinVar aggregate classification (germline): Uncertain significance (1 of 4 stars; one submission).

Allele frequency attached by ClinVar (database versions not stated): gnomAD exomes below 0.00001.
gnomAD v4.1: 1 of 1,609,990 alleles (0.000062%); highest among the groups gnomAD compares: African/African-American, 0.0013%; no homozygotes.

Submission:

Labcorp Genetics (formerly Invitae), Labcorp
Classification: Uncertain significance. Last evaluated: 2021-10-13. Review status: criteria provided, single submitter. Criteria: Invitae Variant Classification Sherloc (09022015). Collection method: clinical testing. Allele origin: germline.
Comment: This variant is not present in population databases (ExAC no frequency). This sequence change replaces alanine with valine at codon 494 of the TNNI3K protein (p.Ala494Val). The alanine residue is highly conserved and there is a small physicochemical difference between alanine and valine. This variant has not been reported in the literature in individuals affected with TNNI3K-related conditions. In summary, the available evidence is currently insufficient to determine the role of this variant in disease. Therefore, it has been classified as a Variant of Uncertain Significance. Algorithms developed to predict the effect of missense changes on protein structure and function are either unavailable or do not agree on the potential impact of this missense change (SIFT: "Deleterious"; PolyPhen-2: "Benign"; Align-GVGD: "Class C55").

NM_015978.3(TNNI3K):c.1481C>T (p.Ala494Val)

Genes: FPGT-TNNI3K (FPGT-TNNI3K readthrough; plus strand), TNNI3K (TNNI3 interacting kinase; plus strand). Cytogenetic location: 1p31.1.
Variant type: single nucleotide variant.
Coding change: c.1481C>T on transcript NM_015978.3 (MANE Select); coding-DNA position 1481, C replaced by T.
Protein change: p.Ala494Val; replaces alanine 494 with valine.
Molecular consequence: missense variant.
Genome position (GRCh38, 1-based): chr1:74,369,399, C>T. VCF-style: chr1-74369399-C-T. GRCh37 (hg19) VCF-style: chr1-74835083-C-T.
Other names: c.1784C>T, p.Ala595Val (NM_001112808.3, NM_001199327.2); short protein forms A494V, A595V.
Identifiers: ClinVar variation 1371674 (VCV001371674.6), dbSNP rs2100520382, ClinGen allele CA340786065.